The following is an entry in ClinVar:

NM_014946.4(SPAST):c.*1376A>G

Gene: SPAST (spastin; plus strand). Cytogenetic location: 2p22.3.
Variant type: single nucleotide variant.
Coding change: c.*1376A>G on transcript NM_014946.4 (MANE Select); 1376 bases downstream of the stop codon, A replaced by G.
Molecular consequence: 3 prime UTR variant.
Genome position (GRCh38, 1-based): chr2:32,155,872, A>G. VCF-style: chr2-32155872-A-G. GRCh37 (hg19) VCF-style: chr2-32380941-A-G.
Other names: c.*1376A>G (NM_001363823.2, NM_001363875.2, NM_199436.2); c.*1500A>G (NM_001377959.1).
Identifiers: ClinVar variation 335858 (VCV000335858.29), dbSNP rs575900032, ClinGen allele CA10613715.

ClinVar aggregate classification (germline): Conflicting classifications of pathogenicity. Review status: criteria provided, conflicting classifications (1 of 4 stars). 2 submissions from 2 submitters: Uncertain significance (1); Likely benign (1). Last evaluated 2023-04-01.

Conditions:
Hereditary spastic paraplegia 4. Also called: Spastic Paraplegia 4; Spastic paraplegia 4, autosomal dominant; Familial spastic paraplegia autosomal dominant 2. Identifiers: Orphanet 100985, MedGen C1866855, MONDO:0008438, OMIM 182601.

Allele frequency attached by ClinVar (database versions not stated): 1000 Genomes Project 0.00040; 1000 Genomes Project 30x 0.00062; gnomAD 0.00223; TOPMed 0.00223.

Submissions (2):

CeGaT Center for Human Genetics Tuebingen
Classification: Likely benign. Last evaluated: 2023-04-01. Review status: criteria provided, single submitter. Criteria: CeGaT Center For Human Genetics Tuebingen Variant Classification Criteria Version 2. Collection method: clinical testing. Allele origin: germline. Affected: yes. Observed: 5 variant alleles.
Comment: SPAST: BS1

Illumina Laboratory Services, Illumina
Classification: Uncertain significance for Hereditary spastic paraplegia 4. Last evaluated: 2018-01-12. Review status: criteria provided, single submitter. Criteria: ICSL Variant Classification Criteria 13 December 2019. Collection method: clinical testing. Allele origin: germline.